The following is an entry in ClinVar:

NM_003737.4(DCHS1):c.3113C>T (p.Ala1038Val)

Gene: DCHS1 (dachsous cadherin-related 1; minus strand). Cytogenetic location: 11p15.4.
Variant type: single nucleotide variant.
Coding change: c.3113C>T on transcript NM_003737.4 (MANE Select); coding-DNA position 3113, C replaced by T.
Protein change: p.Ala1038Val; replaces alanine 1038 with valine.
Molecular consequence: missense variant.
Genome position (GRCh38, 1-based): chr11:6,632,399, G>A on the plus strand (C>T on the coding strand, the complement: DCHS1 is on the minus strand). VCF-style: chr11-6632399-G-A. GRCh37 (hg19) VCF-style: chr11-6653630-G-A.
Other names: short protein forms A1038V.
Identifiers: ClinVar variation 2792004 (VCV002792004.3), dbSNP rs1855924711, ClinGen allele CA379417205.
Genomic context (GRCh38, chr11:6,632,399, plus strand): 5'-GCCCGCACCCATAGCCACCCACTCTGTGGCTCCAGGCCAAAGGGGCTACTTGCTCCCTCT[G>A]CTGCAAGGTGATAGGTGATAGGGCCCCCATCTGGTGCTTGGGCCTGCACTTGCAGGACCT-3'
Protein context (NP_003728.1, residues 1028-1048): DGGPITYHLA[Ala1038Val]EGASSPFGLE

ClinVar aggregate classification (germline): Uncertain significance (1 of 4 stars; one submission).

Allele frequency attached by ClinVar (database versions not stated): TOPMed below 0.00001; gnomAD exomes 0.00001.
gnomAD v4.1: 3 of 1,613,790 alleles (0.00019%); highest among the groups gnomAD compares: Non-Finnish European, 0.00025%; no homozygotes.

Submission:

Labcorp Genetics (formerly Invitae), Labcorp
Classification: Uncertain significance. Last evaluated: 2025-01-27. Review status: criteria provided, single submitter. Criteria: Invitae Variant Classification Sherloc (09022015). Collection method: clinical testing. Allele origin: germline.
Comment: This sequence change replaces alanine, which is neutral and non-polar, with valine, which is neutral and non-polar, at codon 1038 of the DCHS1 protein (p.Ala1038Val). This variant is not present in population databases (gnomAD no frequency). This variant has not been reported in the literature in individuals affected with DCHS1-related conditions. ClinVar contains an entry for this variant (Variation ID: 2792004). Invitae Evidence Modeling of protein sequence and biophysical properties (such as structural, functional, and spatial information, amino acid conservation, physicochemical variation, residue mobility, and thermodynamic stability) indicates that this missense variant is expected to disrupt DCHS1 protein function with a positive predictive value of 80%. In summary, the available evidence is currently insufficient to determine the role of this variant in disease. Therefore, it has been classified as a Variant of Uncertain Significance.